The following is an entry in ClinVar:

NM_020693.4(DSCAML1):c.3364G>A (p.Val1122Ile)

Gene: DSCAML1 (DS cell adhesion molecule like 1; minus strand). Cytogenetic location: 11q23.3.
Variant type: single nucleotide variant.
Coding change: c.3364G>A on transcript NM_020693.4 (MANE Select); coding-DNA position 3364, G replaced by A.
Protein change: p.Val1122Ile; replaces valine 1122 with isoleucine.
Molecular consequence: missense variant.
Genome position (GRCh38, 1-based): chr11:117,461,498, C>T on the plus strand (G>A on the coding strand, the complement: DSCAML1 is on the minus strand). VCF-style: chr11-117461498-C-T. GRCh37 (hg19) VCF-style: chr11-117332214-C-T.
Other names: c.3544G>A (NM_020693.2); short protein forms V1122I.
Identifiers: ClinVar variation 1425869 (VCV001425869.7), dbSNP rs750218765, ClinGen allele CA6296723.
Genomic context (GRCh38, chr11:117,461,498, plus strand): 5'-CAGCAGACTCACCCCCATCAACATAGAGGGACCAGAAGATGACCCGATAGCCTTTGAGGA[C>T]GCCATTGAGGGTGCTGCGCGGGGGCTCTGACCAGGAGATGACGGCCACGTCAGAAGTGAT-3'
Protein context (NP_065744.3, residues 1112-1132): SEPPRSTLNG[Val1122Ile]LKGYRVIFWS

ClinVar aggregate classification (germline): Uncertain significance. Review status: criteria provided, multiple submitters, no conflicts (2 of 4 stars). 2 submissions from 2 submitters: Uncertain significance (2). Last evaluated 2024-08-01.

Allele frequency attached by ClinVar (database versions not stated): gnomAD 0.00002; gnomAD exomes 0.00002 and 0.00003; ExAC 0.00003; TOPMed 0.00004.
gnomAD v4.1: 40 of 1,614,092 alleles (0.0025%); highest among the groups gnomAD compares: Admixed American, 0.0067%; no homozygotes.

Submissions (2):

Labcorp Genetics (formerly Invitae), Labcorp
Classification: Uncertain significance. Last evaluated: 2024-08-01. Review status: criteria provided, single submitter. Criteria: Invitae Variant Classification Sherloc (09022015). Collection method: clinical testing. Allele origin: germline.
Comment: This sequence change replaces valine, which is neutral and non-polar, with isoleucine, which is neutral and non-polar, at codon 1182 of the DSCAML1 protein (p.Val1182Ile). This variant is present in population databases (rs750218765, gnomAD 0.006%). This variant has not been reported in the literature in individuals affected with DSCAML1-related conditions. ClinVar contains an entry for this variant (Variation ID: 1425869). An algorithm developed to predict the effect of missense changes on protein structure and function (PolyPhen-2) suggests that this variant is likely to be tolerated. In summary, the available evidence is currently insufficient to determine the role of this variant in disease. Therefore, it has been classified as a Variant of Uncertain Significance.

Ambry Genetics
Classification: Uncertain significance. Last evaluated: 2022-01-31. Review status: criteria provided, single submitter. Criteria: Ambry Variant Classification Scheme 2023. Collection method: clinical testing. Allele origin: germline.